The following is an entry in ClinVar:

ClinVar aggregate classification (germline): Uncertain significance (1 of 4 stars; one submission).

Conditions:
Glycogen storage disease type X (GSD10). Also called: GSD X; MYOPATHY DUE TO PHOSPHOGLYCERATE MUTASE DEFICIENCY; PGAMM DEFICIENCY; PHOSPHOGLYCERATE MUTASE, MUSCLE, DEFICIENCY OF; Glycogen storage disease due to phosphoglycerate mutase deficiency; Dimauro disease. Identifiers: Orphanet 97234, MedGen C0268149, MONDO:0009865, OMIM 261670.

Allele frequency attached by ClinVar (database versions not stated): gnomAD exomes 0.00001; ExAC 0.00002; gnomAD 0.00005; TOPMed 0.00010; 1000 Genomes Project 0.00020; 1000 Genomes Project 30x 0.00031.
gnomAD v4.1: 24 of 1,613,956 alleles (0.0015%); highest among the groups gnomAD compares: Admixed American, 0.012%; no homozygotes.

Submission:

Labcorp Genetics (formerly Invitae), Labcorp
Classification: Uncertain significance for Glycogen storage disease type X. Last evaluated: 2022-03-04. Review status: criteria provided, single submitter. Criteria: Invitae Variant Classification Sherloc (09022015). Collection method: clinical testing. Allele origin: germline.
Comment: This sequence change replaces arginine, which is basic and polar, with histidine, which is basic and polar, at codon 117 of the PGAM2 protein (p.Arg117His). This variant is present in population databases (rs201067955, gnomAD 0.01%). This variant has not been reported in the literature in individuals affected with PGAM2-related conditions. Algorithms developed to predict the effect of missense changes on protein structure and function (SIFT, PolyPhen-2, Align-GVGD) all suggest that this variant is likely to be disruptive. In summary, the available evidence is currently insufficient to determine the role of this variant in disease. Therefore, it has been classified as a Variant of Uncertain Significance.

NM_000290.4(PGAM2):c.350G>A (p.Arg117His)

Genes: DBNL (drebrin like; plus strand), PGAM2 (phosphoglycerate mutase 2; minus strand), LOC129998342 (ATAC-STARR-seq lymphoblastoid active region 25925; plus strand). Cytogenetic location: 7p13.
Variant type: single nucleotide variant.
Coding change: c.350G>A on transcript NM_000290.4 (MANE Select); coding-DNA position 350, G replaced by A.
Protein change: p.Arg117His; replaces arginine 117 with histidine.
Molecular consequence: missense variant. On other transcripts: 3 prime UTR variant (6).
Genome position (GRCh38, 1-based): chr7:44,065,180, C>T on the plus strand (G>A on the coding strand, the complement: PGAM2 is on the minus strand). VCF-style: chr7-44065180-C-T. GRCh37 (hg19) VCF-style: chr7-44104779-C-T.
Other names: c.*4264C>T (NM_001014436.3, NM_001122956.2, NM_001284313.2 and 3 more transcripts); short protein forms R117H.
Identifiers: ClinVar variation 2052994 (VCV002052994.1), dbSNP rs201067955, ClinGen allele CA4236612.